The following is an entry in ClinVar:

ClinVar aggregate classification (germline): Likely pathogenic (1 of 4 stars; one submission).

Conditions:
Familial long QT syndrome (RWS). Also called: Romano-Ward syndrome; VENTRICULAR FIBRILLATION WITH PROLONGED QT INTERVAL; Congenital long QT syndrome. Identifiers: Orphanet 768, MedGen C1141890, MONDO:0019171.

Submission:

Laboratory for Molecular Medicine, Mass General Brigham Personalized Medicine
Classification: Likely pathogenic for Familial long QT syndrome. Last evaluated: 2017-06-27. Review status: criteria provided, single submitter. Criteria: ACMG Guidelines, 2015. Collection method: clinical testing. Allele origin: germline. Inheritance: Autosomal dominant inheritance.
Comment: The p.Tyr388X variant in KCNH2 has not been previously reported in individuals with long QT syndrome or in large population studies. This nonsense variant leads to a premature termination codon at position 388, which is predicted to lead to a truncated or absent protein. Heterozygous loss of function of the KCNH2 gene is associated with long QT syndrome. In summary, although additional studies are required to fully establish its clinical significance, the p.Tyr388X variant is likely pathogenic for long QT syndrome in an autosomal dominant manner based on its predicted impact to the protein.

NM_000238.4(KCNH2):c.1164del (p.Glu387_Tyr388insTer)

Gene: KCNH2 (potassium voltage-gated channel subfamily H member 2; minus strand). Cytogenetic location: 7q36.1.
Variant type: Deletion.
Coding change: c.1164del on transcript NM_000238.4 (MANE Select); coding-DNA position 1164, one base deleted (C; older notation c.1164delC).
Protein change: p.Glu387_Tyr388insTer.
Molecular consequence: nonsense. On other transcripts: non-coding transcript variant (2).
Genome position (GRCh38, 1-based): chr7:150,952,818, G deleted on the plus strand (C on the coding strand, the reverse complement: KCNH2 is on the minus strand). VCF-style (leftmost placement, unchanged base first): chr7-150952817-TG-T. GRCh37 (hg19) VCF-style: chr7-150649905-TG-T.
Other names: c.144del, p.Glu47_Tyr48insTer (NM_001204798.2, NM_172057.3); c.876del, p.Glu291_Tyr292insTer (NM_001406753.1, NM_001406756.1); c.987del, p.Glu328_Tyr329insTer (NM_001406755.1); c.864del, p.Glu287_Tyr288insTer (NM_001406757.1); c.1164del, p.Glu387_Tyr388insTer (NM_172056.3).
Identifiers: ClinVar variation 3076025 (VCV003076025.1), dbSNP rs2486051098, ClinGen allele CA913188258.